The following is an entry in ClinVar:

NM_022051.3(EGLN1):c.814C>T (p.Leu272Phe)

Genes: EGLN1 (egl-9 family hypoxia inducible factor 1; minus strand), LOC129932769 (ATAC-STARR-seq lymphoblastoid active region 2730; plus strand). Cytogenetic location: 1q42.2.
Variant type: single nucleotide variant.
Coding change: c.814C>T on transcript NM_022051.3 (MANE Select); coding-DNA position 814, C replaced by T.
Protein change: p.Leu272Phe; replaces leucine 272 with phenylalanine.
Molecular consequence: missense variant.
Genome position (GRCh38, 1-based): chr1:231,421,075, G>A on the plus strand (C>T on the coding strand, the complement: EGLN1 is on the minus strand). VCF-style: chr1-231421075-G-A. GRCh37 (hg19) VCF-style: chr1-231556821-G-A.
Other names: c.814C>T, p.Leu272Phe (NM_001377260.1, NM_001377261.1); short protein forms L272F.
Identifiers: ClinVar variation 2497589 (VCV002497589.2), dbSNP rs2527358479, ClinGen allele CA345235084.

ClinVar aggregate classification (germline): Uncertain significance (1 of 4 stars; one submission).

Submission:

Ambry Genetics
Classification: Uncertain significance. Last evaluated: 2023-02-10. Review status: criteria provided, single submitter. Criteria: Ambry Variant Classification Scheme 2023. Collection method: clinical testing. Allele origin: germline.
Comment: The p.L272F variant (also known as c.814C>T), located in coding exon 1 of the EGLN1 gene, results from a C to T substitution at nucleotide position 814. The leucine at codon 272 is replaced by phenylalanine, an amino acid with highly similar properties. This amino acid position is conserved. In addition, the in silico prediction for this alteration is inconclusive. Since supporting evidence is limited at this time, the clinical significance of this alteration remains unclear.